The following is an entry in ClinVar:

NM_000337.6(SGCD):c.744T>G (p.His248Gln)

Gene: SGCD (sarcoglycan delta; plus strand). Cytogenetic location: 5q33.3.
Variant type: single nucleotide variant.
Coding change: c.744T>G on transcript NM_000337.6 (MANE Select); coding-DNA position 744, T replaced by G.
Protein change: p.His248Gln; replaces histidine 248 with glutamine.
Molecular consequence: missense variant.
Genome position (GRCh38, 1-based): chr5:156,759,261, T>G. VCF-style: chr5-156759261-T-G. GRCh37 (hg19) VCF-style: chr5-156186272-T-G.
Other names: c.741T>G, p.His247Gln (NM_001128209.2); short protein forms H248Q, H247Q.
Identifiers: ClinVar variation 464020 (VCV000464020.1), dbSNP rs1160680799, ClinGen allele CA362009310.

ClinVar aggregate classification (germline): Uncertain significance (1 of 4 stars; one submission).

Conditions:
Autosomal recessive limb-girdle muscular dystrophy type 2F (LGMDR6). Also called: MUSCULAR DYSTROPHY, LIMB-GIRDLE, AUTOSOMAL RECESSIVE 6; Muscular dystrophy limb-girdle with delta-sarcoglyan deficiency. Identifiers: Orphanet 219, MedGen C1832525, MONDO:0011028, OMIM 601287. Disease mechanism: Affects gamma-sarcoglycan and also disrupts the integrity of the entire sarcoglycan complex..

gnomAD v4.1: 2 of 1,613,826 alleles (0.00012%); highest among the groups gnomAD compares: Non-Finnish European, 0.00017%; no homozygotes.

Submission:

Labcorp Genetics (formerly Invitae), Labcorp
Classification: Uncertain significance for Autosomal recessive limb-girdle muscular dystrophy type 2F. Last evaluated: 2017-03-26. Review status: criteria provided, single submitter. Criteria: Invitae Variant Classification Sherloc (09022015). Collection method: clinical testing. Allele origin: germline.
Comment: This sequence change replaces histidine with glutamine at codon 248 of the SGCD protein (p.His248Gln). The histidine residue is weakly conserved and there is a small physicochemical difference between histidine and glutamine. This variant is not present in population databases (ExAC no frequency) and has not been reported in the literature in individuals with a SGCD-related disease. Algorithms developed to predict the effect of missense changes on protein structure and function (SIFT, PolyPhen-2, Align-GVGD) all suggest that this variant is likely to be tolerated, but these predictions have not been confirmed by published functional studies. In summary, this variant is a novel missense change that is not predicted to affect protein function. There is no indication that it causes disease, but the available evidence is currently insufficient to prove that conclusively. Therefore, it has been classified as a Variant of Uncertain Significance.